The following is an entry in ClinVar:

ClinVar aggregate classification (germline): Uncertain significance (1 of 4 stars; one submission).

Submission:

GeneDx
Classification: Uncertain significance. Last evaluated: 2025-05-03. Review status: criteria provided, single submitter. Criteria: GeneDx Variant Classification Process June 2021. Collection method: clinical testing. Allele origin: germline. Affected: yes.
Comment: Not observed at significant frequency in large population cohorts (gnomAD); In silico analysis suggests that this missense variant does not alter protein structure/function; Has not been previously published as pathogenic or benign to our knowledge

NM_020928.2(ZSWIM6):c.2704G>A (p.Val902Ile)

Gene: ZSWIM6 (zinc finger SWIM-type containing 6; plus strand). Cytogenetic location: 5q12.1.
Variant type: single nucleotide variant.
Coding change: c.2704G>A on transcript NM_020928.2 (MANE Select); coding-DNA position 2704, G replaced by A.
Protein change: p.Val902Ile; replaces valine 902 with isoleucine.
Molecular consequence: missense variant.
Genome position (GRCh38, 1-based): chr5:61,541,884, G>A. VCF-style: chr5-61541884-G-A. GRCh37 (hg19) VCF-style: chr5-60837711-G-A.
Other names: short protein forms V902I.
Identifiers: ClinVar variation 4528048 (VCV004528048.1).